The following is an entry in ClinVar:

NM_000222.3(KIT):c.158A>G (p.Glu53Gly)

Gene: KIT (KIT proto-oncogene, receptor tyrosine kinase; plus strand). Cytogenetic location: 4q12.
Variant type: single nucleotide variant.
Coding change: c.158A>G on transcript NM_000222.3 (MANE Select); coding-DNA position 158, A replaced by G.
Protein change: p.Glu53Gly; replaces glutamic acid 53 with glycine.
Molecular consequence: missense variant.
Genome position (GRCh38, 1-based): chr4:54,695,602, A>G. VCF-style: chr4-54695602-A-G. GRCh37 (hg19) VCF-style: chr4-55561768-A-G.
Other names: c.158A>G, p.Glu53Gly (NM_001093772.2, NM_001385284.1, NM_001385285.1 and 4 more transcripts); short protein forms E53G.
Identifiers: ClinVar variation 3534728 (VCV003534728.1).

ClinVar aggregate classification (germline): Uncertain significance (1 of 4 stars; one submission).

Conditions:
Hereditary cancer-predisposing syndrome. Also called: Hereditary Cancer Syndrome; Hereditary neoplastic syndrome; Tumor predisposition; Neoplastic Syndromes, Hereditary. Identifiers: Orphanet 140162, MedGen C0027672, MeSH D009386, MONDO:0015356.

Submission:

Ambry Genetics
Classification: Uncertain significance for Hereditary cancer-predisposing syndrome. Last evaluated: 2024-10-30. Review status: criteria provided, single submitter. Criteria: Ambry Variant Classification Scheme 2023. Collection method: clinical testing. Allele origin: germline.
Comment: The p.E53G variant (also known as c.158A>G), located in coding exon 2 of the KIT gene, results from an A to G substitution at nucleotide position 158. The glutamic acid at codon 53 is replaced by glycine, an amino acid with similar properties. This amino acid position is conserved. In addition, this alteration is predicted to be tolerated by in silico analysis. Based on the available evidence, the clinical significance of this variant remains unclear.